The following is an entry in ClinVar:

NM_000051.4(ATM):c.5521G>A (p.Val1841Ile)

Gene: ATM (ATM serine/threonine kinase; plus strand). Cytogenetic location: 11q22.3.
Variant type: single nucleotide variant.
Coding change: c.5521G>A on transcript NM_000051.4 (MANE Select); coding-DNA position 5521, G replaced by A.
Protein change: p.Val1841Ile; replaces valine 1841 with isoleucine.
Molecular consequence: missense variant.
Genome position (GRCh38, 1-based): chr11:108,304,699, G>A. VCF-style: chr11-108304699-G-A. GRCh37 (hg19) VCF-style: chr11-108175426-G-A.
Other names: c.5521G>A, p.Val1841Ile (NM_001351834.2); short protein forms V1841I.
Identifiers: ClinVar variation 570256 (VCV000570256.11), dbSNP rs1565481593, ClinGen allele CA382545799.

ClinVar aggregate classification (germline): Conflicting classifications of pathogenicity. Review status: criteria provided, conflicting classifications (1 of 4 stars). 3 submissions from 3 submitters: Uncertain significance (1); Likely benign (1). 1 of the submissions does not count toward it. Last evaluated 2026-09-01.

Conditions:
Ataxia-telangiectasia syndrome (AT). Also called: LOUIS-BAR SYNDROME; Ataxia telangiectasia (A-T); Ataxia-telangiectasia, complementation group D; AT, COMPLEMENTATION GROUP C; Cerebello-oculocutaneous telangiectasia; Immunodeficiency with ataxia telangiectasia. Identifiers: Orphanet 100, MedGen C0004135, MONDO:0008840, OMIM 208900.
Hereditary cancer-predisposing syndrome. Also called: Neoplastic Syndromes, Hereditary; Hereditary Cancer Syndrome; Hereditary neoplastic syndrome; Tumor predisposition. Identifiers: Orphanet 140162, MedGen C0027672, MeSH D009386, MONDO:0015356.

gnomAD v4.1: 2 of 1,613,858 alleles (0.00012%); highest among the groups gnomAD compares: South Asian, 0.0022%; no homozygotes.

Submissions (3):

Ambry Genetics
Classification: Likely benign for Hereditary cancer-predisposing syndrome. Last evaluated: 2026-09-01. Review status: criteria provided, single submitter. Criteria: Ambry Variant Classification Scheme 2023. Collection method: clinical testing. Allele origin: germline.

Labcorp Genetics (formerly Invitae), Labcorp
Classification: Uncertain significance for Ataxia-telangiectasia syndrome. Last evaluated: 2023-12-08. Review status: criteria provided, single submitter. Criteria: Invitae Variant Classification Sherloc (09022015). Collection method: clinical testing. Allele origin: germline.
Comment: This sequence change replaces valine, which is neutral and non-polar, with isoleucine, which is neutral and non-polar, at codon 1841 of the ATM protein (p.Val1841Ile). This variant is not present in population databases (gnomAD no frequency). This variant has not been reported in the literature in individuals affected with ATM-related conditions. ClinVar contains an entry for this variant (Variation ID: 570256). An algorithm developed to predict the effect of missense changes on protein structure and function (PolyPhen-2) suggests that this variant is likely to be tolerated. In summary, the available evidence is currently insufficient to determine the role of this variant in disease. Therefore, it has been classified as a Variant of Uncertain Significance.

Natera, Inc.
Classification: Uncertain significance for Ataxia-telangiectasia. Last evaluated: 2020-09-16. Review status: no assertion criteria provided. Collection method: clinical testing. Allele origin: germline. Not counted in ClinVar's aggregate classification.

Literature cited by the submitters: PubMed 40580951 (cited by Ambry Genetics).